The following is an entry in ClinVar:

ClinVar aggregate classification (germline): Uncertain significance (1 of 4 stars; one submission).

Allele frequency attached by ClinVar (database versions not stated): ExAC 0.00002; gnomAD 0.00002; gnomAD exomes 0.00002; TOPMed 0.00003.

Submission:

Labcorp Genetics (formerly Invitae), Labcorp
Classification: Uncertain significance. Last evaluated: 2025-04-22. Review status: criteria provided, single submitter. Criteria: Invitae Variant Classification Sherloc (09022015). Collection method: clinical testing. Allele origin: germline.
Comment: This sequence change replaces asparagine, which is neutral and polar, with serine, which is neutral and polar, at codon 1422 of the SORL1 protein (p.Asn1422Ser). This variant is present in population databases (rs200889461, gnomAD 0.006%). This missense change has been observed in individual(s) with early-onset Alzheimer disease (PMID: 28789839, 29480197). ClinVar contains an entry for this variant (Variation ID: 1431898). An algorithm developed to predict the effect of missense changes on protein structure and function (PolyPhen-2) suggests that this variant is likely to be disruptive. Algorithms developed to predict the effect of sequence changes on RNA splicing suggest that this variant may create or strengthen a splice site. In summary, the available evidence is currently insufficient to determine the role of this variant in disease. Therefore, it has been classified as a Variant of Uncertain Significance.

Literature cited by the submitters: PubMed 28789839; PubMed 29480197.

NM_003105.6(SORL1):c.4265A>G (p.Asn1422Ser)

Gene: SORL1 (sortilin related receptor 1; plus strand). Cytogenetic location: 11q24.1.
Variant type: single nucleotide variant.
Coding change: c.4265A>G on transcript NM_003105.6 (MANE Select); coding-DNA position 4265, A replaced by G.
Protein change: p.Asn1422Ser; replaces asparagine 1422 with serine.
Molecular consequence: missense variant.
Genome position (GRCh38, 1-based): chr11:121,591,052, A>G. VCF-style: chr11-121591052-A-G. GRCh37 (hg19) VCF-style: chr11-121461761-A-G.
Other names: short protein forms N1422S.
Identifiers: ClinVar variation 1431898 (VCV001431898.6), dbSNP rs200889461, ClinGen allele CA6329576.
Genomic context (GRCh38, chr11:121,591,052, plus strand): 5'-TTTTCTCAGATTCACATATTCTTCCCTTCTCGACTCCTGGGCCCTCCACGTGTCTGCCCA[A>G]TTACTACCGCTGCAGCAGTGGGACCTGCGTGATGGACACCTGGGTGTGCGACGGGTACCG-3'
Protein context (NP_003096.2, residues 1412-1432): STPGPSTCLP[Asn1422Ser]YYRCSSGTCV